The following is an entry in ClinVar:

ClinVar aggregate classification (germline): Pathogenic (1 of 4 stars; one submission).

Conditions:
Neurofibromatosis, type 1 (NF1). Also called: VON RECKLINGHAUSEN DISEASE; Peripheral type neurofibromatosis; NEUROFIBROMATOSIS, TYPE I, SOMATIC; Neurofibromatosis, type I. Identifiers: Orphanet 636, MedGen C0027831, MONDO:0018975, OMIM 162200. Disease mechanism: loss of function.

Submission:

Labcorp Genetics (formerly Invitae), Labcorp
Classification: Pathogenic for Neurofibromatosis, type 1. Last evaluated: 2025-02-02. Review status: criteria provided, single submitter. Criteria: Invitae Variant Classification Sherloc (09022015). Collection method: clinical testing. Allele origin: germline.
Comment: This sequence change creates a premature translational stop signal (p.Tyr2619*) in the NF1 gene. It is expected to result in an absent or disrupted protein product. Loss-of-function variants in NF1 are known to be pathogenic (PMID: 10712197, 23913538). This variant is not present in population databases (gnomAD no frequency). This variant has not been reported in the literature in individuals affected with NF1-related conditions. Algorithms developed to predict the effect of sequence changes on RNA splicing suggest that this variant may disrupt the consensus splice site. For these reasons, this variant has been classified as Pathogenic.

Literature cited by the submitters: PubMed 10712197; PubMed 23913538.

NM_001042492.3(NF1):c.7920del (p.Leu2639_Tyr2640insTer)

Gene: NF1 (neurofibromin 1; plus strand). Cytogenetic location: 17q11.2.
Variant type: Deletion.
Coding change: c.7920del on transcript NM_001042492.3 (MANE Select); coding-DNA position 7920, one base deleted (T; older notation c.7920delT).
Protein change: p.Leu2639_Tyr2640insTer.
Molecular consequence: nonsense.
Genome position (GRCh38, 1-based): chr17:31,357,319, T deleted. VCF-style (leftmost placement, unchanged base first): chr17-31357318-AT-A. GRCh37 (hg19) VCF-style: chr17-29684336-AT-A.
Other names: c.7857del, p.Leu2618_Tyr2619insTer (NM_000267.4).
Identifiers: ClinVar variation 4712128 (VCV004712128.1).